The following is an entry in ClinVar:

NM_001625.4(AK2):c.498+1G>A

Gene: AK2 (adenylate kinase 2; minus strand). Cytogenetic location: 1p35.1.
Variant type: single nucleotide variant.
Coding change: c.498+1G>A on transcript NM_001625.4 (MANE Select); the canonical splice donor site of the intron after coding-DNA position 498, G replaced by A.
Molecular consequence: splice donor variant.
Genome position (GRCh38, 1-based): chr1:33,014,521, C>T on the plus strand (G>A on the coding strand, the complement: AK2 is on the minus strand). VCF-style: chr1-33014521-C-T. GRCh37 (hg19) VCF-style: chr1-33480122-C-T.
Other names: 498, G-A, +1; c.498+1G>A (NM_013411.5, NM_001319141.3); c.372+1G>A (NM_001319142.3); c.*1+1G>A (NM_001319143.2); c.474+1G>A (NM_001199199.3); c.354+1G>A (NM_001319139.3, NM_001319140.2).
Identifiers: ClinVar variation 18255 (VCV000018255.12), dbSNP rs777503956, ClinGen allele CA747106.

ClinVar aggregate classification (germline): Pathogenic/Likely pathogenic. Review status: criteria provided, multiple submitters, no conflicts (2 of 4 stars). 4 submissions from 4 submitters: Pathogenic (2); Likely pathogenic (1). 1 of the submissions does not count toward it. Last evaluated 2026-01-05.

Conditions:
Severe combined immunodeficiency disease. Also called: Severe Combined Immune Deficiency; Severe combined immunodeficiency. Identifiers: Orphanet 183660, MedGen C0085110, MeSH D016511, MONDO:0015974, HP:0004430. Inheritance: X-Linked or Autosomal recessive.
Reticular dysgenesis. Also called: ALEUKOCYTOSIS; CONGENITAL ALEUKIA; HEMATOPOIETIC HYPOPLASIA, GENERALIZED; RETICULAR DYSGENESIA; SEVERE COMBINED IMMUNODEFICIENCY WITH LEUKOPENIA; DeVaal disease. Identifiers: Orphanet 33355, MedGen C0272167, MONDO:0009973, OMIM 267500.

Allele frequency attached by ClinVar (database versions not stated): gnomAD exomes 0.00001 and 0.00002; TOPMed 0.00002; gnomAD 0.00003; ExAC 0.00001.

Submissions (4):

Labcorp Genetics (formerly Invitae), Labcorp
Classification: Pathogenic for Reticular dysgenesis. Last evaluated: 2026-01-05. Review status: criteria provided, single submitter. Criteria: Invitae Variant Classification Sherloc (09022015). Collection method: clinical testing. Allele origin: germline.
Comment: This sequence change affects a donor splice site in intron 5 of the AK2 gene. While this variant is not anticipated to result in nonsense mediated decay, it likely alters RNA splicing and results in a disrupted protein product. This variant is present in population databases (rs777503956, gnomAD 0.02%). Disruption of this splice site has been observed in individual(s) with reticular dysgenesis (PMID: 19043417). ClinVar contains an entry for this variant (Variation ID: 18255). Variants that disrupt the consensus splice site are a relatively common cause of aberrant splicing (PMID: 17576681, 9536098). Studies have shown that disruption of this splice site is associated with altered splicing resulting in multiple RNA products (PMID: 19043417). For these reasons, this variant has been classified as Pathogenic.

Women's Health and Genetics/Laboratory Corporation of America, LabCorp
Classification: Pathogenic for Severe combined immunodeficiency disease. Last evaluated: 2021-10-04. Review status: criteria provided, single submitter. Criteria: LabCorp Variant Classification Summary - May 2015. Collection method: clinical testing. Allele origin: germline.
Comment: Variant summary: AK2 c.498+1G>A is located in a canonical splice-site and is predicted to affect mRNA splicing resulting in a significantly altered protein due to either exon skipping, shortening, or inclusion of intronic material. Several computational tools predict a significant impact on normal splicing: four predict the variant abolishes a 5 prime splicing donor site. At least one publication reports experimental evidence that this variant affects mRNA splicing (Pannicke_2009). The variant allele was found at a frequency of 1.6e-05 in 251428 control chromosomes. c.498+1G>A has been reported in the literature in individuals affected with Severe Combined Immunodeficiency Syndrome (Pannicke_2009, Hoenig_2017). These data indicate that the variant is likely to be associated with disease. No clinical diagnostic laboratories have submitted clinical-significance assessments for this variant to ClinVar after 2014. Based on the evidence outlined above, the variant was classified as pathogenic.

Juno Genomics, Hangzhou Juno Genomics, Inc
Classification: Likely pathogenic for Reticular dysgenesis. Review status: criteria provided, single submitter. Criteria: ACMG Guidelines, 2015. Collection method: clinical testing. Allele origin: germline.
Comment: Absent from controls (or at extremely low frequency if recessive) in Genome Aggregation Database.;Null variant in a gene where loss of function (LOF) is a known mechanism of disease.;For recessive disorders, detected in trans with a pathogenic variant.;Patient's phenotype or family history is highly specific for a disease with a single genetic etiology.

OMIM
Classification: Pathogenic for RETICULAR DYSGENESIS. Last evaluated: 2009-01-01. Review status: no assertion criteria provided. Collection method: literature only. Allele origin: germline. Not counted in ClinVar's aggregate classification.

Literature cited by the submitters: PubMed 19043417 (cited by 3 submitters); PubMed 17576681 (cited by Labcorp Genetics (formerly Invitae), Labcorp); PubMed 9536098 (cited by Labcorp Genetics (formerly Invitae), Labcorp); PubMed 28331055 (cited by Women's Health and Genetics/Laboratory Corporation of America, LabCorp).